The following is an entry in ClinVar:

NM_002788.4(PSMA3):c.610G>A (p.Glu204Lys)

Genes: PSMA3 (proteasome 20S subunit alpha 3; plus strand), PSMA3-AS1 (PSMA3 antisense RNA 1; minus strand). Cytogenetic location: 14q23.1.
Variant type: single nucleotide variant.
Coding change: c.610G>A on transcript NM_002788.4 (MANE Select); coding-DNA position 610, G replaced by A.
Protein change: p.Glu204Lys; replaces glutamic acid 204 with lysine.
Molecular consequence: missense variant. On other transcripts: non-coding transcript variant (1).
Genome position (GRCh38, 1-based): chr14:58,270,437, G>A. VCF-style: chr14-58270437-G-A. GRCh37 (hg19) VCF-style: chr14-58737155-G-A.
Other names: c.589G>A, p.Glu197Lys (NM_152132.3); short protein forms E197K, E204K.
Identifiers: ClinVar variation 2796580 (VCV002796580.3), dbSNP rs1009646696, ClinGen allele CA261606947.
Genomic context (GRCh38, chr14:58,270,437, plus strand): 5'-TGGAGGTTACCAAAATCTTACCTTTCCCTTTTCTATTCTAGAATTTACATAGTACATGAC[G>A]AAGTTAAGGATAAAGCTTTTGAACTAGAACTCAGCTGGGTTGGTGAATGTAAGTTATTTT-3'
Protein context (NP_002779.1, residues 194-214): VAKIIYIVHD[Glu204Lys]VKDKAFELEL

ClinVar aggregate classification (germline): Uncertain significance (1 of 4 stars; one submission).

Allele frequency attached by ClinVar (database versions not stated): gnomAD exomes below 0.00001; TOPMed 0.00001.
gnomAD v4.1: 4 of 1,613,538 alleles (0.00025%); highest among the groups gnomAD compares: African/African-American, 0.0013%; no homozygotes.

Submission:

Labcorp Genetics (formerly Invitae), Labcorp
Classification: Uncertain significance. Last evaluated: 2023-05-20. Review status: criteria provided, single submitter. Criteria: Invitae Variant Classification Sherloc (09022015). Collection method: clinical testing. Allele origin: germline.
Comment: An algorithm developed to predict the effect of missense changes on protein structure and function (PolyPhen-2) suggests that this variant is likely to be tolerated. In summary, the available evidence is currently insufficient to determine the role of this variant in disease. Therefore, it has been classified as a Variant of Uncertain Significance. This variant has not been reported in the literature in individuals affected with PSMA3-related conditions. This variant is present in population databases (no rsID available, gnomAD 0.0009%). This sequence change replaces glutamic acid, which is acidic and polar, with lysine, which is basic and polar, at codon 204 of the PSMA3 protein (p.Glu204Lys).